The following is an entry in ClinVar:

NM_003049.4(SLC10A1):c.[601_611del;745C>T]

Variant type: Haplotype.
Identifiers: ClinVar variation 617621 (VCV000617621.2).

ClinVar aggregate classification (germline): Uncertain significance (0 of 4 stars; one submission).

Conditions:
Hepatic fibrosis. Also called: Liver fibrosis. Identifiers: MedGen C0239946, HP:0001395.
Cholestasis. Identifiers: MedGen C0008370, MONDO:0001751, HP:0001396.
high serum bile salts.
normal GGT.

Submission:

The Raphael Recanati Genetics Institute, Rabin Medical Center
Classification: Uncertain significance for Cholestasis; high serum bile salts; hepatic fibrosis; normal GGT. Last evaluated: 2018-09-13. Review status: no assertion criteria provided. Collection method: clinical testing. Allele origin: inherited. Affected: yes. Observed: 1 variant allele.
Comment: AR compound heterozygote